The following is an entry in ClinVar:

ClinVar aggregate classification (germline): Pathogenic. Review status: criteria provided, multiple submitters, no conflicts (2 of 4 stars). 2 submissions from 2 submitters: Pathogenic (2). Last evaluated 2025-11-06.

Conditions:
Hereditary diffuse gastric adenocarcinoma (HDGC). Also called: DIFFUSE GASTRIC AND LOBULAR BREAST CANCER SYNDROME. Identifiers: Orphanet 26106, MedGen C1708349, MONDO:0007648, OMIM 137215.
Hereditary cancer-predisposing syndrome. Also called: Neoplastic Syndromes, Hereditary; Hereditary Cancer Syndrome; Tumor predisposition; Hereditary neoplastic syndrome. Identifiers: Orphanet 140162, MedGen C0027672, MeSH D009386, MONDO:0015356.

Submissions (2):

Ambry Genetics
Classification: Pathogenic for Hereditary cancer-predisposing syndrome. Last evaluated: 2025-11-06. Review status: criteria provided, single submitter. Criteria: Ambry Variant Classification Scheme 2023. Collection method: clinical testing. Allele origin: germline.
Comment: The c.1582_1583delGA pathogenic mutation, located in coding exon 11 of the CDH1 gene, results from a deletion of two nucleotides at nucleotide positions 1582 to 1583, causing a translational frameshift with a predicted alternate stop codon (p.D528Hfs*8). This variant is considered to be rare based on population cohorts in the Genome Aggregation Database (gnomAD). This alteration is expected to result in loss of function by premature protein truncation or nonsense-mediated mRNA decay. As such, this alteration is interpreted as a disease-causing mutation.

Myriad Genetics, Inc.
Classification: Pathogenic for Hereditary diffuse gastric adenocarcinoma. Last evaluated: 2023-06-14. Review status: criteria provided, single submitter. Criteria: Myriad Autosomal Dominant, Autosomal Recessive and X-Linked Classification Criteria (2023). Collection method: clinical testing. Allele origin: unknown.
Comment: This variant is considered pathogenic. This variant creates a frameshift predicted to result in premature protein truncation.

NM_004360.5(CDH1):c.1582_1583del (p.Asp528fs)

Gene: CDH1 (cadherin 1; plus strand). Cytogenetic location: 16q22.1.
Variant type: Microsatellite.
Coding change: c.1582_1583del on transcript NM_004360.5 (MANE Select); coding-DNA positions 1582 to 1583, 2 bases deleted (GA; older notation c.1582_1583delGA).
Protein change: p.Asp528fs; shifts the reading frame from aspartic acid 528.
Molecular consequence: frameshift variant. On other transcripts: intron variant (1).
Genome position (GRCh38, 1-based): chr16:68,819,296-68,819,297, GA deleted; deleting any 2 consecutive bases within chr16:68,819,292-68,819,297 gives the same sequence; the c. name uses the placement nearest the transcript's 3' end. VCF-style (leftmost placement, unchanged base first): chr16-68819291-GGA-G. GRCh37 (hg19) VCF-style: chr16-68853194-GGA-G.
Other names: c.1399_1400del, p.Asp467fs (NM_001317184.2); c.34_35del, p.Asp12fs (NM_001317185.2); c.1578_1579GA[2], p.Asp528Hisfs (NM_004360.3); c.-254-2709GA[2] (NM_001317186.2); c.1582_1583delGA (NM_004360.3); short protein forms D12fs, D467fs, D528fs.
Identifiers: ClinVar variation 2583376 (VCV002583376.3), dbSNP rs2543937102, ClinGen allele CA2582342523.